The following is an entry in ClinVar:

NM_001232.4(CASQ2):c.498A>T (p.Lys166Asn)

Gene: CASQ2 (calsequestrin 2; minus strand). Cytogenetic location: 1p13.1.
Variant type: single nucleotide variant.
Coding change: c.498A>T on transcript NM_001232.4 (MANE Select); coding-DNA position 498, A replaced by T.
Protein change: p.Lys166Asn; replaces lysine 166 with asparagine.
Molecular consequence: missense variant.
Genome position (GRCh38, 1-based): chr1:115,738,258, T>A on the plus strand (A>T on the coding strand, the complement: CASQ2 is on the minus strand). VCF-style: chr1-115738258-T-A. GRCh37 (hg19) VCF-style: chr1-116280879-T-A.
Other names: short protein forms K166N.
Identifiers: ClinVar variation 1051653 (VCV001051653.48), dbSNP rs2101091967, ClinGen allele CA341763855.

ClinVar aggregate classification (germline): Uncertain significance (1 of 4 stars; one submission).

Conditions:
Catecholaminergic polymorphic ventricular tachycardia 1. Also called: VENTRICULAR TACHYCARDIA, STRESS-INDUCED POLYMORPHIC 1; VENTRICULAR TACHYCARDIA, CATECHOLAMINERGIC POLYMORPHIC, 1, WITH OR WITHOUT ATRIAL DYSFUNCTION AND/OR DILATED CARDIOMYOPATHY; RYR2-Related Catecholaminergic Polymorphic Ventricular Tachycardia. Identifiers: Orphanet 3286, MedGen C1631597, MONDO:0011484, OMIM 604772.

Submission:

Labcorp Genetics (formerly Invitae), Labcorp
Classification: Uncertain significance for Catecholaminergic polymorphic ventricular tachycardia 1. Last evaluated: 2023-12-07. Review status: criteria provided, single submitter. Criteria: Invitae Variant Classification Sherloc (09022015). Collection method: clinical testing. Allele origin: germline.
Comment: This sequence change replaces lysine, which is basic and polar, with asparagine, which is neutral and polar, at codon 166 of the CASQ2 protein (p.Lys166Asn). This variant is not present in population databases (gnomAD no frequency). This variant has not been reported in the literature in individuals affected with CASQ2-related conditions. ClinVar contains an entry for this variant (Variation ID: 1051653). Advanced modeling of protein sequence and biophysical properties (such as structural, functional, and spatial information, amino acid conservation, physicochemical variation, residue mobility, and thermodynamic stability) has been performed at Invitae for this missense variant, however the output from this modeling did not meet the statistical confidence thresholds required to predict the impact of this variant on CASQ2 protein function. In summary, the available evidence is currently insufficient to determine the role of this variant in disease. Therefore, it has been classified as a Variant of Uncertain Significance.